The following is an entry in ClinVar:

ClinVar aggregate classification (germline): Uncertain significance (1 of 4 stars; one submission).

gnomAD v4.1: 2 of 1,613,864 alleles (0.00012%); highest among the groups gnomAD compares: African/African-American, 0.0013%; no homozygotes.

Submission:

Labcorp Genetics (formerly Invitae), Labcorp
Classification: Uncertain significance. Last evaluated: 2025-12-10. Review status: criteria provided, single submitter. Criteria: Invitae Variant Classification Sherloc (09022015). Collection method: clinical testing. Allele origin: germline.
Comment: This sequence change replaces alanine, which is neutral and non-polar, with glutamic acid, which is acidic and polar, at codon 73 of the PRDM13 protein (p.Ala73Glu). This variant is not present in population databases (gnomAD no frequency). This variant has not been reported in the literature in individuals affected with PRDM13-related conditions. An algorithm developed to predict the effect of missense changes on protein structure and function (PolyPhen-2) suggests that this variant is likely to be disruptive. In summary, the available evidence is currently insufficient to determine the role of this variant in disease. Therefore, it has been classified as a Variant of Uncertain Significance.

NM_021620.4(PRDM13):c.218C>A (p.Ala73Glu)

Gene: PRDM13 (PR/SET domain 13; plus strand). Cytogenetic location: 6q16.2.
Variant type: single nucleotide variant.
Coding change: c.218C>A on transcript NM_021620.4 (MANE Select); coding-DNA position 218, C replaced by A.
Protein change: p.Ala73Glu; replaces alanine 73 with glutamic acid.
Molecular consequence: missense variant.
Genome position (GRCh38, 1-based): chr6:99,608,814, C>A. VCF-style: chr6-99608814-C-A. GRCh37 (hg19) VCF-style: chr6-100056690-C-A.
Other names: short protein forms A73E.
Identifiers: ClinVar variation 4714964 (VCV004714964.1).